The following is an entry in ClinVar:

NM_014336.5(AIPL1):c.234C>T (p.Ser78=)

Gene: AIPL1 (AIP like 1 HSP90 co-chaperone; minus strand). Cytogenetic location: 17p13.2.
Variant type: single nucleotide variant.
Coding change: c.234C>T on transcript NM_014336.5 (MANE Select); coding-DNA position 234, C replaced by T.
Protein change: p.Ser78=; no amino-acid change (serine 78 retained).
Molecular consequence: synonymous variant. On other transcripts: intron variant (1).
Genome position (GRCh38, 1-based): chr17:6,433,961, G>A on the plus strand (C>T on the coding strand, the complement: AIPL1 is on the minus strand). VCF-style: chr17-6433961-G-A. GRCh37 (hg19) VCF-style: chr17-6337281-G-A.
Other names: c.234C>T, p.Ser78= (NM_001033054.3, NM_001285401.3, NM_001285403.4); c.198C>T, p.Ser66= (NM_001285399.3); c.168C>T, p.Ser56= (NM_001285400.3); c.117C>T, p.Ser39= (NM_001285402.2); c.96+1048C>T (NM_001033055.3).
Identifiers: ClinVar variation 99791 (VCV000099791.20), dbSNP rs62635774, ClinGen allele CA227868.

ClinVar aggregate classification (germline): Conflicting classifications of pathogenicity. Review status: criteria provided, conflicting classifications (1 of 4 stars). 6 submissions from 5 submitters: Uncertain significance (2); Benign (1); Likely benign (2). 1 of the submissions does not count toward it. Last evaluated 2026-01-07.

Conditions:
Leber congenital amaurosis 4 (LCA4). Identifiers: MedGen C1858386, MONDO:0011458, OMIM 604393.
Retinitis pigmentosa (RP). Identifiers: Orphanet 791, MedGen C0035334, MeSH D012174, MONDO:0019200, OMIM 268000. Inheritance: Autosomal dominant, autosomal recessive and X linked inheritance.

Allele frequency attached by ClinVar (database versions not stated): 1000 Genomes Project 30x 0.00016; gnomAD exomes 0.00016 and 0.00029; 1000 Genomes Project 0.00020; ExAC 0.00030; gnomAD 0.00101 and 0.00102; TOPMed 0.00101; ESP Exome Variant Server 0.00123.
gnomAD v4.1: 429 of 1,613,838 alleles (0.027%); highest among the groups gnomAD compares: African/African-American, 0.4%; 3 homozygotes.

Submissions (6):

Labcorp Genetics (formerly Invitae), Labcorp
Classification: Benign for Leber congenital amaurosis 4. Last evaluated: 2026-01-07. Review status: criteria provided, single submitter. Criteria: Invitae Variant Classification Sherloc (09022015). Collection method: clinical testing. Allele origin: germline.

Blueprint Genetics
Classification: Likely benign. Last evaluated: 2024-11-27. Review status: criteria provided, single submitter. Criteria: ACMG Guidelines, 2015. Collection method: clinical testing. Allele origin: germline.

Illumina Laboratory Services, Illumina
Classification: Uncertain significance for Leber congenital amaurosis 4. Last evaluated: 2017-04-27. Review status: criteria provided, single submitter. Criteria: ICSL Variant Classification Criteria 13 December 2019. Collection method: clinical testing. Allele origin: germline.
Comment: This variant was observed as part of a predisposition screen in an ostensibly healthy population. A literature search was performed for the gene, cDNA change, and amino acid change (where applicable). Publications were found based on this search. However, the evidence from the literature, in combination with allele frequency data from public databases where available, was not sufficient to rule this variant in or out of causing disease. Therefore, this variant is classified as a variant of unknown significance.

Illumina Laboratory Services, Illumina
Classification: Uncertain significance for Retinitis pigmentosa. Last evaluated: 2017-04-27. Review status: criteria provided, single submitter. Criteria: ICSL Variant Classification Criteria 13 December 2019. Collection method: clinical testing. Allele origin: germline.
Comment: the same text as in the submission from Illumina Laboratory Services, Illumina above.

Eurofins Ntd Llc (ga)
Classification: Likely benign. Last evaluated: 2015-06-24. Review status: criteria provided, single submitter. Criteria: EGL Classification Definitions 2015. Collection method: clinical testing. Allele origin: germline. Observed: 1 variant allele, 1 heterozygote.

Retina International
No classification provided. Review status: no classification provided. Collection method: not provided. Allele origin: not provided. Not counted in ClinVar's aggregate classification.

Literature cited by the submitters: PubMed 11139241 (cited by Illumina Laboratory Services, Illumina); PubMed 10873396 (cited by Eurofins Ntd Llc (ga)).